The following is an entry in ClinVar:

ClinVar aggregate classification (germline): Benign (1 of 4 stars; one submission).

Allele frequency attached by ClinVar (database versions not stated): 1000 Genomes Project 0.01657; 1000 Genomes Project 30x 0.01733; TOPMed 0.03554; gnomAD 0.04243 and 0.04312.

Submission:

GeneDx
Classification: Benign. Last evaluated: 2018-06-19. Review status: criteria provided, single submitter. Criteria: GeneDx Variant Classification (06012015). Collection method: clinical testing. Allele origin: germline. Affected: yes.
Comment: This variant is considered likely benign or benign based on one or more of the following criteria: it is a conservative change, it occurs at a poorly conserved position in the protein, it is predicted to be benign by multiple in silico algorithms, and/or has population frequency not consistent with disease.

NM_000232.5(SGCB):c.33+314C>T

Gene: SGCB (sarcoglycan beta; minus strand). Cytogenetic location: 4q12.
Variant type: single nucleotide variant.
Coding change: c.33+314C>T on transcript NM_000232.5 (MANE Select); 314 bases into the intron after coding-DNA position 33, C replaced by T.
Molecular consequence: intron variant.
Genome position (GRCh38, 1-based): chr4:52,037,913, G>A on the plus strand (C>T on the coding strand, the complement: SGCB is on the minus strand). VCF-style: chr4-52037913-G-A. GRCh37 (hg19) VCF-style: chr4-52904079-G-A.
Identifiers: ClinVar variation 671565 (VCV000671565.1), dbSNP rs73246101, ClinGen allele CA11723573.